The following is an entry in ClinVar:

ClinVar aggregate classification (germline): Uncertain significance (1 of 4 stars; one submission).

Conditions:
Emery-Dreifuss muscular dystrophy 5, autosomal dominant (EDMD5). Also called: EMERY-DREIFUSS MUSCULAR DYSTROPHY 5. Identifiers: Orphanet 261, MedGen C2751805, MONDO:0013072, OMIM 612999.

Allele frequency attached by ClinVar (database versions not stated): ESP Exome Variant Server 0.00009.
gnomAD v4.1: 15 of 1,610,732 alleles (0.00093%); highest among the groups gnomAD compares: Non-Finnish European, 0.0013%; no homozygotes.

Submission:

Labcorp Genetics (formerly Invitae), Labcorp
Classification: Uncertain significance for Emery-Dreifuss muscular dystrophy 5, autosomal dominant. Last evaluated: 2025-02-10. Review status: criteria provided, single submitter. Criteria: Invitae Variant Classification Sherloc (09022015). Collection method: clinical testing. Allele origin: germline.
Comment: This sequence change replaces tryptophan, which is neutral and slightly polar, with glycine, which is neutral and non-polar, at codon 3012 of the SYNE2 protein (p.Trp3012Gly). This variant is present in population databases (rs373784533, gnomAD 0.004%). This variant has not been reported in the literature in individuals affected with SYNE2-related conditions. ClinVar contains an entry for this variant (Variation ID: 1502237). An algorithm developed to predict the effect of missense changes on protein structure and function (PolyPhen-2) suggests that this variant is likely to be disruptive. In summary, the available evidence is currently insufficient to determine the role of this variant in disease. Therefore, it has been classified as a Variant of Uncertain Significance.

NM_182914.3(SYNE2):c.9034T>G (p.Trp3012Gly)

Gene: SYNE2 (spectrin repeat containing nuclear envelope protein 2; plus strand). Cytogenetic location: 14q23.2.
Variant type: single nucleotide variant.
Coding change: c.9034T>G on transcript NM_182914.3 (MANE Select); coding-DNA position 9034, T replaced by G.
Protein change: p.Trp3012Gly; replaces tryptophan 3012 with glycine.
Molecular consequence: missense variant.
Genome position (GRCh38, 1-based): chr14:64,052,947, T>G. VCF-style: chr14-64052947-T-G. GRCh37 (hg19) VCF-style: chr14-64519665-T-G.
Other names: c.9034T>G, p.Trp3012Gly (NM_015180.6); short protein forms W3012G.
Identifiers: ClinVar variation 1502237 (VCV001502237.8), dbSNP rs373784533, ClinGen allele CA7221210.